The following is an entry in ClinVar:

ClinVar aggregate classification (germline): Likely pathogenic (1 of 4 stars; one submission).

Conditions:
Parathyroid carcinoma (PRTC). Also called: CDC73-Related Parathyroid Carcinoma; Parathyroid gland carcinoma. Identifiers: Orphanet 143, MedGen C0687150, MONDO:0012004, OMIM 608266, HP:0006780.

Submission:

Labcorp Genetics (formerly Invitae), Labcorp
Classification: Likely pathogenic for Parathyroid carcinoma. Last evaluated: 2023-01-07. Review status: criteria provided, single submitter. Criteria: Invitae Variant Classification Sherloc (09022015). Collection method: clinical testing. Allele origin: germline.
Comment: This variant has not been reported in the literature in individuals affected with CDC73-related conditions. This variant is not present in population databases (gnomAD no frequency). This sequence change affects an acceptor splice site in intron 1 of the CDC73 gene. It is expected to disrupt RNA splicing. Variants that disrupt the donor or acceptor splice site typically lead to a loss of protein function (PMID: 16199547), and loss-of-function variants in CDC73 are known to be pathogenic (PMID: 12434154). Algorithms developed to predict the effect of sequence changes on RNA splicing suggest that this variant may disrupt the consensus splice site. In summary, the currently available evidence indicates that the variant is pathogenic, but additional data are needed to prove that conclusively. Therefore, this variant has been classified as Likely Pathogenic.

Literature cited by the submitters: PubMed 16199547; PubMed 12434154.

NM_024529.5(CDC73):c.132-2A>C

Gene: CDC73 (cell division cycle 73; plus strand). Cytogenetic location: 1q31.2.
Variant type: single nucleotide variant.
Coding change: c.132-2A>C on transcript NM_024529.5 (MANE Select); the canonical splice acceptor site of the intron before coding-DNA position 132, A replaced by C.
Molecular consequence: splice acceptor variant.
Genome position (GRCh38, 1-based): chr1:193,125,110, A>C. VCF-style: chr1-193125110-A-C. GRCh37 (hg19) VCF-style: chr1-193094240-A-C.
Identifiers: ClinVar variation 2028064 (VCV002028064.4), dbSNP rs1057519419, ClinGen allele CA343973023.